The following is an entry in ClinVar:

ClinVar aggregate classification (germline): Uncertain significance (0 of 4 stars; one submission).

Conditions:
Polycystic kidney disease. Also called: Polycystic kidney dysplasia; Kidney, Polycystic. Identifiers: MedGen C0022680, MeSH D007690, MONDO:0020642, HP:0000113.

Allele frequency attached by ClinVar (database versions not stated): gnomAD 0.00003 and 0.00001; gnomAD exomes 0.00004; 1000 Genomes Project 30x 0.00016; 1000 Genomes Project 0.00040; TOPMed 0.00001.
gnomAD v4.1: 49 of 1,610,610 alleles (0.003%); highest among the groups gnomAD compares: South Asian, 0.0077%; no homozygotes.

Submission:

Department of Pathology and Laboratory Medicine, Sinai Health System
Classification: Uncertain significance for Polycystic Kidney disease. Review status: no assertion criteria provided. Collection method: clinical testing. Allele origin: unknown. Affected: yes. Study: The Canadian Open Genetics Repository (COGR).
Comment: The PKD1 p.Thr1307Met variant was not identified in the literature nor was it identified in the ClinVar, LOVD 3.0, ADPKD Mutation Database, or PKD1-LOVD. The variant was identified in dbSNP (ID: rs527659927). The variant was identified in control databases in 9 of 239528 chromosomes at a frequency of 0.000038 (Genome Aggregation Database Feb 27, 2017). The variant was observed in the following populations: Other in 1 of 5374 chromosomes (freq: 0.00019), European in 4 of 107416 chromosomes (freq: 0.000037), East Asian in 1 of 17030 chromosomes (freq: 0.000059), and South Asian in 3 of 30716 chromosomes (freq: 0.000098); it was not observed in the African, Latino, Ashkenazi Jewish, and Finnish populations. The p.Thr1307 residue is not conserved in mammals and computational analyses (PolyPhen-2, SIFT, AlignGVGD, BLOSUM, MutationTaster) provide inconsistent predictions regarding the impact to the protein; this information is not very predictive of pathogenicity. The variant occurs outside of the splicing consensus sequence and in silico or computational prediction software programs (SpliceSiteFinder, MaxEntScan, NNSPLICE, GeneSplicer) do not predict a difference in splicing. In summary, based on the above information the clinical significance of this variant cannot be determined with certainty at this time. This variant is classified as a variant of uncertain significance.

NM_001009944.3(PKD1):c.3920C>T (p.Thr1307Met)

Gene: PKD1 (polycystin 1, transient receptor potential channel interacting; minus strand). Cytogenetic location: 16p13.3.
Variant type: single nucleotide variant.
Coding change: c.3920C>T on transcript NM_001009944.3 (MANE Select); coding-DNA position 3920, C replaced by T.
Protein change: p.Thr1307Met; replaces threonine 1307 with methionine.
Molecular consequence: missense variant.
Genome position (GRCh38, 1-based): chr16:2,111,247, G>A on the plus strand (C>T on the coding strand, the complement: PKD1 is on the minus strand). VCF-style: chr16-2111247-G-A. GRCh37 (hg19) VCF-style: chr16-2161248-G-A.
Other names: c.3920C>T, p.Thr1307Met (NM_000296.4); short protein forms T1307M.
Identifiers: ClinVar variation 997102 (VCV000997102.1), dbSNP rs527659927, ClinGen allele CA7832578.